The following is an entry in ClinVar:

ClinVar aggregate classification (germline): Conflicting classifications of pathogenicity. Review status: criteria provided, conflicting classifications (1 of 4 stars). 2 submissions from 2 submitters: Uncertain significance (1); Likely benign (1). Last evaluated 2025-07-14.

Conditions:
Severe early-onset pulmonary alveolar proteinosis due to MARS deficiency. Also called: PULMONARY ALVEOLAR PROTEINOSIS, REUNION ISLAND; Interstitial lung and liver disease. Identifiers: Orphanet 440427, MedGen C4225400, MONDO:0014206, OMIM 615486.
Charcot-Marie-Tooth disease axonal type 2U. Also called: CHARCOT-MARIE-TOOTH NEUROPATHY, TYPE 2U; CHARCOT-MARIE-TOOTH DISEASE, AXONAL, AUTOSOMAL DOMINANT, TYPE 2U. Identifiers: Orphanet 397735, MedGen C4084821, MONDO:0014566, OMIM 616280.

Submissions (2):

Labcorp Genetics (formerly Invitae), Labcorp
Classification: Uncertain significance for Charcot-Marie-Tooth disease axonal type 2U; Severe early-onset pulmonary alveolar proteinosis due to MARS deficiency. Last evaluated: 2025-07-14. Review status: criteria provided, single submitter. Criteria: Invitae Variant Classification Sherloc (09022015). Collection method: clinical testing. Allele origin: germline.
Comment: This sequence change falls in intron 17 of the MARS gene. It does not directly change the encoded amino acid sequence of the MARS protein. It affects a nucleotide within the consensus splice site. The frequency data for this variant in the population databases is considered unreliable, as metrics indicate poor data quality at this position in the gnomAD database. This variant has not been reported in the literature in individuals affected with MARS-related conditions. Variants that disrupt the consensus splice site are a relatively common cause of aberrant splicing (PMID: 17576681, 9536098). Algorithms developed to predict the effect of sequence changes on RNA splicing suggest that this variant may disrupt the consensus splice site. In summary, the available evidence is currently insufficient to determine the role of this variant in disease. Therefore, it has been classified as a Variant of Uncertain Significance.

GeneDx
Classification: Likely benign. Last evaluated: 2017-07-28. Review status: criteria provided, single submitter. Criteria: GeneDx Variant Classification (06012015). Collection method: clinical testing. Allele origin: germline. Affected: yes.
Comment: This variant is considered likely benign or benign based on one or more of the following criteria: it is a conservative change, it occurs at a poorly conserved position in the protein, it is predicted to be benign by multiple in silico algorithms, and/or has population frequency not consistent with disease.

Literature cited by the submitters: PubMed 17576681 (cited by Labcorp Genetics (formerly Invitae), Labcorp); PubMed 9536098 (cited by Labcorp Genetics (formerly Invitae), Labcorp).

NM_004990.4(MARS1):c.2204+4_2204+7del

Gene: MARS1 (methionyl-tRNA synthetase 1; plus strand). Cytogenetic location: 12q13.3.
Variant type: Microsatellite.
Coding change: c.2204+4_2204+7del on transcript NM_004990.4 (MANE Select); bases 4 to 7 of the intron after coding-DNA position 2204, 4 bases deleted (GGTA; older notation c.2204+4_2204+7delGGTA).
Molecular consequence: splice donor variant.
Genome position (GRCh38, 1-based): chr12:57,515,062-57,515,065, GGTA deleted; deleting any 4 consecutive bases within chr12:57,515,057-57,515,065 gives the same sequence; the c. name uses the placement nearest the transcript's 3' end. VCF-style (leftmost placement, unchanged base first): chr12-57515056-CAGGT-C. GRCh37 (hg19) VCF-style: chr12-57908839-CAGGT-C.
Other names: c.2204+4_2204+7delGGTA (NM_004990.3).
Identifiers: ClinVar variation 506821 (VCV000506821.6), dbSNP rs1327486572, ClinGen allele CA480395997.
Genomic context (GRCh38, chr12:57,515,056, plus strand): 5'-TGGCAACCAATATATTCAGGTGAATGAGCCCTGGAAGCGGATTAAAGGCAGTGAGGCTGA[CAGGT>C]AGGTAAGCGGGGAGGGTTGGCTAAAGGCATAAAGTGGCTTGTAAGCTGTATCCTCCTGGA-3'